The following is an entry in ClinVar:

ClinVar aggregate classification (germline): Uncertain significance. Review status: criteria provided, multiple submitters, no conflicts (2 of 4 stars). 2 submissions from 2 submitters: Uncertain significance (2). Last evaluated 2025-12-22.

Conditions:
Hereditary cancer-predisposing syndrome. Also called: Tumor predisposition; Hereditary neoplastic syndrome; Hereditary Cancer Syndrome; Neoplastic Syndromes, Hereditary. Identifiers: Orphanet 140162, MedGen C0027672, MeSH D009386, MONDO:0015356.
Parathyroid carcinoma (PRTC). Also called: CDC73-Related Parathyroid Carcinoma; Parathyroid gland carcinoma. Identifiers: Orphanet 143, MedGen C0687150, MONDO:0012004, OMIM 608266, HP:0006780.

Submissions (2):

Labcorp Genetics (formerly Invitae), Labcorp
Classification: Uncertain significance for Parathyroid carcinoma. Last evaluated: 2025-12-22. Review status: criteria provided, single submitter. Criteria: Invitae Variant Classification Sherloc (09022015). Collection method: clinical testing. Allele origin: germline.
Comment: This sequence change replaces methionine, which is neutral and non-polar, with leucine, which is neutral and non-polar, at codon 412 of the CDC73 protein (p.Met412Leu). This variant is not present in population databases (gnomAD no frequency). This variant has not been reported in the literature in individuals affected with CDC73-related conditions. ClinVar contains an entry for this variant (Variation ID: 937177). An algorithm developed to predict the effect of missense changes on protein structure and function (PolyPhen-2) suggests that this variant is likely to be tolerated. In summary, the available evidence is currently insufficient to determine the role of this variant in disease. Therefore, it has been classified as a Variant of Uncertain Significance.

Ambry Genetics
Classification: Uncertain significance for Hereditary cancer-predisposing syndrome. Last evaluated: 2024-08-28. Review status: criteria provided, single submitter. Criteria: Ambry Variant Classification Scheme 2023. Collection method: clinical testing. Allele origin: germline.
Comment: The p.M412L variant (also known as c.1234A>T), located in coding exon 14 of the CDC73 gene, results from an A to T substitution at nucleotide position 1234. The methionine at codon 412 is replaced by leucine, an amino acid with highly similar properties. This amino acid position is not well conserved in available vertebrate species. In addition, this alteration is predicted to be tolerated by in silico analysis. Since supporting evidence is limited at this time, the clinical significance of this alteration remains unclear.

NM_024529.5(CDC73):c.1234A>T (p.Met412Leu)

Gene: CDC73 (cell division cycle 73; plus strand). Cytogenetic location: 1q31.2.
Variant type: single nucleotide variant.
Coding change: c.1234A>T on transcript NM_024529.5 (MANE Select); coding-DNA position 1234, A replaced by T.
Protein change: p.Met412Leu; replaces methionine 412 with leucine.
Molecular consequence: missense variant.
Genome position (GRCh38, 1-based): chr1:193,233,072, A>T. VCF-style: chr1-193233072-A-T. GRCh37 (hg19) VCF-style: chr1-193202202-A-T.
Other names: short protein forms M412L.
Identifiers: ClinVar variation 937177 (VCV000937177.13), dbSNP rs752959843, ClinGen allele CA344077891.